The following is an entry in ClinVar:

ClinVar aggregate classification (germline): Likely pathogenic. Review status: criteria provided, single submitter (1 of 4 stars). 2 submissions from 1 submitter: Likely pathogenic (2). Last evaluated 2016-12-29.

Conditions:
Dilated cardiomyopathy 1G (CMD1G). Identifiers: Orphanet 154, MedGen C1858763, MONDO:0011400, OMIM 604145.
Autosomal recessive limb-girdle muscular dystrophy type 2J (LGMDR10). Also called: Limb-girdle muscular dystrophy, type 2J; MUSCULAR DYSTROPHY, LIMB-GIRDLE, AUTOSOMAL RECESSIVE 10. Identifiers: Orphanet 140922, MedGen C1837342, MONDO:0012127, OMIM 608807.

Submissions (2):

Labcorp Genetics (formerly Invitae), Labcorp
Classification: Likely pathogenic for Dilated cardiomyopathy 1G. Last evaluated: 2016-12-29. Review status: criteria provided, single submitter. Criteria: Invitae Variant Classification Sherloc (09022015). Collection method: clinical testing. Allele origin: germline.
Comment: This sequence change inserts 1 nucleotide in exon 304 of the TTN mRNA (c.60865dupA), causing a frameshift at codon 20289. This creates a premature translational stop signal (p.Thr20289Asnfs*10) and is expected to result in an absent or disrupted protein product. This variant is found in the A-band of this gene. While this particular variant has not been reported in the literature, truncating variants in the A-band of TTN are significantly overrepresented in patients with dilated cardiomyopathy and are considered to be likely pathogenic for the disease (PMID: 25589632). For these reasons, this variant has been classified as Likely Pathogenic.

Labcorp Genetics (formerly Invitae), Labcorp
Classification: Likely pathogenic for Dilated cardiomyopathy 1G; Autosomal recessive limb-girdle muscular dystrophy type 2J. Last evaluated: 2016-12-29. Review status: criteria provided, single submitter. Criteria: Invitae Variant Classification Sherloc (09022015). Collection method: clinical testing. Allele origin: germline.
Comment: This sequence change inserts 1 nucleotide in exon 304 of the TTN mRNA (c.60865dupA), causing a frameshift at codon 20289. This creates a premature translational stop signal (p.Thr20289Asnfs*10) and is expected to result in an absent or disrupted protein product. For these reasons, this variant has been classified as Likely Pathogenic. This variant is found in the A-band of this gene. While this particular variant has not been reported in the literature, truncating variants in the A-band of TTN are significantly overrepresented in patients with dilated cardiomyopathy and are considered to be likely pathogenic for the disease (PMID: 25589632).

Literature cited by the submitters: PubMed 25589632.

NM_001267550.2(TTN):c.60865dup (p.Thr20289fs)

Genes: TTN (titin; minus strand), TTN-AS1 (TTN antisense RNA 1; plus strand). Cytogenetic location: 2q31.2.
Variant type: Duplication.
Coding change: c.60865dup on transcript NM_001267550.2 (MANE Select); coding-DNA position 60865, one base duplicated (A; older notation c.60865dupA).
Protein change: p.Thr20289fs; shifts the reading frame from threonine 20289.
Molecular consequence: frameshift variant.
Genome position (GRCh38, 1-based): chr2:178,590,860, T duplicated on the plus strand (A on the coding strand, the reverse complement: TTN is on the minus strand); the first of 2 consecutive T bases (chr2:178,590,860-178,590,861); duplicating either gives the same sequence. VCF-style (leftmost placement, unchanged base first): chr2-178590859-G-GT. GRCh37 (hg19) VCF-style: chr2-179455586-G-GT.
Other names: c.60865dupA (NM_001267550.2); c.55942dup, p.Thr18648fs (NM_001256850.1); c.33670dup, p.Thr11224fs (NM_003319.4); c.53161dup, p.Thr17721fs (NM_133378.4); c.34045dup, p.Thr11349fs (NM_133432.3); c.34246dup, p.Thr11416fs (NM_133437.4); short protein forms T20289fs, T11224fs, T17721fs, T11349fs, T11416fs, T18648fs.
Identifiers: ClinVar variation 404881 (VCV000404881.12), dbSNP rs1553643260, ClinGen allele CA16610402.